The following is an entry in ClinVar:

NM_002474.3(MYH11):c.3246G>C (p.Lys1082Asn)

Gene: MYH11 (myosin heavy chain 11; minus strand). Cytogenetic location: 16p13.11.
Variant type: single nucleotide variant.
Coding change: c.3246G>C on transcript NM_002474.3 (MANE Select); coding-DNA position 3246, G replaced by C.
Protein change: p.Lys1082Asn; replaces lysine 1082 with asparagine.
Molecular consequence: missense variant.
Genome position (GRCh38, 1-based): chr16:15,737,496, C>G on the plus strand (G>C on the coding strand, the complement: MYH11 is on the minus strand). VCF-style: chr16-15737496-C-G. GRCh37 (hg19) VCF-style: chr16-15831353-C-G.
Other names: c.3267G>C, p.Lys1089Asn (NM_001040113.2, NM_001040114.2); c.3246G>C, p.Lys1082Asn (NM_022844.3); short protein forms K1082N, K1089N.
Identifiers: ClinVar variation 3072039 (VCV003072039.1), dbSNP rs1567714522, ClinGen allele CA394862913.

ClinVar aggregate classification (germline): Uncertain significance (1 of 4 stars; one submission).

Conditions:
Familial thoracic aortic aneurysm and aortic dissection (TAAD). Also called: Thoracic aortic aneurysms and dissections. Identifiers: Orphanet 91387, MedGen C4707243, MONDO:0019625.

Allele frequency attached by ClinVar (database versions not stated): gnomAD exomes below 0.00001.
gnomAD v4.1: 1 of 1,613,944 alleles (0.000062%); highest among the groups gnomAD compares: Non-Finnish European, 0.000085%; no homozygotes.

Submission:

All of Us Research Program, National Institutes of Health
Classification: Uncertain significance for Familial thoracic aortic aneurysm and aortic dissection. Last evaluated: 2023-06-26. Review status: criteria provided, single submitter. Criteria: ACMG Guidelines, 2015. Collection method: clinical testing. Allele origin: germline. Inheritance: Autosomal dominant inheritance. Observed: 1 variant allele, 1 heterozygote.
Comment: This missense variant replaces lysine with asparagine at codon 1089 of the MYH11 protein. Computational prediction suggests that this variant may not impact protein structure and function (internally defined REVEL score threshold <= 0.5, PMID: 27666373). To our knowledge, functional studies have not been reported for this variant. This variant has not been reported in individuals affected with MYH11-related disorders in the literature. This variant has been identified in 1/251260 chromosomes in the general population by the Genome Aggregation Database (gnomAD). The available evidence is insufficient to determine the role of this variant in disease conclusively. Therefore, this variant is classified as a Variant of Uncertain Significance.

This study involves interpretation of variants in research participants for the purpose of population health screening. Participant phenotype was not available at the time of variant classification. Additional details can be found in publication PMID: 35346344, PMCID: PMC8962531